The following is an entry in ClinVar:

NM_198880.3(QRICH1):c.1453_1454del (p.Trp485fs)

Gene: QRICH1 (glutamine rich 1; minus strand). Cytogenetic location: 3p21.31.
Variant type: Deletion.
Coding change: c.1453_1454del on transcript NM_198880.3 (MANE Select); coding-DNA positions 1453 to 1454, 2 bases deleted (TG; older notation c.1453_1454delTG).
Protein change: p.Trp485fs; shifts the reading frame from tryptophan 485.
Molecular consequence: frameshift variant.
Genome position (GRCh38, 1-based): chr3:49,047,131-49,047,132, CA deleted on the plus strand (TG on the coding strand, the reverse complement: QRICH1 is on the minus strand). VCF-style (leftmost placement, unchanged base first): chr3-49047130-CCA-C. GRCh37 (hg19) VCF-style: chr3-49084563-CCA-C.
Other names: c.1453_1454del, p.Trp485fs (NM_001320580.2, NM_001320581.2, NM_001320582.2 and 4 more transcripts); short protein forms W485fs.
Identifiers: ClinVar variation 3389600 (VCV003389600.14).

ClinVar aggregate classification (germline): Pathogenic (1 of 4 stars; one submission).

Submission:

CeGaT Center for Human Genetics Tuebingen
Classification: Pathogenic. Last evaluated: 2024-09-01. Review status: criteria provided, single submitter. Criteria: CeGaT Center For Human Genetics Tuebingen Variant Classification Criteria Version 2. Collection method: clinical testing. Allele origin: germline. Affected: yes. Observed: 1 variant allele.
Comment: QRICH1: PVS1, PM2, PS2:Supporting